The following is an entry in ClinVar:

ClinVar aggregate classification (germline): Likely pathogenic (1 of 4 stars; one submission).

Conditions:
Long QT syndrome (LQTS). Identifiers: MedGen C0023976, MeSH D008133, MONDO:0002442. Disease mechanism: loss of function. Inheritance: Various modes of inheritance.

Submission:

Labcorp Genetics (formerly Invitae), Labcorp
Classification: Likely pathogenic for Long QT syndrome. Last evaluated: 2023-05-01. Review status: criteria provided, single submitter. Criteria: Invitae Variant Classification Sherloc (09022015). Collection method: clinical testing. Allele origin: germline.
Comment: This sequence change replaces arginine, which is basic and polar, with proline, which is neutral and non-polar, at codon 190 of the KCNQ1 protein (p.Arg190Pro). This variant is not present in population databases (gnomAD no frequency). This variant has not been reported in the literature in individuals affected with KCNQ1-related conditions. ClinVar contains an entry for this variant (Variation ID: 237228). Advanced modeling of protein sequence and biophysical properties (such as structural, functional, and spatial information, amino acid conservation, physicochemical variation, residue mobility, and thermodynamic stability) performed at Invitae indicates that this missense variant is expected to disrupt KCNQ1 protein function. Experimental studies have shown that this missense change affects KCNQ1 function (PMID: 30571187). This variant disrupts the p.Arg190 amino acid residue in KCNQ1. Other variant(s) that disrupt this residue have been determined to be pathogenic (PMID: 8528244, 10728423, 22456477, 22629021). This suggests that this residue is clinically significant, and that variants that disrupt this residue are likely to be disease-causing. In summary, the currently available evidence indicates that the variant is pathogenic, but additional data are needed to prove that conclusively. Therefore, this variant has been classified as Likely Pathogenic.

Literature cited by the submitters: PubMed 30571187; PubMed 8528244; PubMed 10728423; PubMed 22456477; PubMed 22629021.

NM_000218.3(KCNQ1):c.569G>C (p.Arg190Pro)

Gene: KCNQ1 (potassium voltage-gated channel subfamily Q member 1; plus strand). Cytogenetic location: 11p15.5.
Variant type: single nucleotide variant.
Coding change: c.569G>C on transcript NM_000218.3 (MANE Select); coding-DNA position 569, G replaced by C.
Protein change: p.Arg190Pro; replaces arginine 190 with proline.
Molecular consequence: missense variant.
Genome position (GRCh38, 1-based): chr11:2,570,719, G>C. VCF-style: chr11-2570719-G-C. GRCh37 (hg19) VCF-style: chr11-2591949-G-C.
Other names: c.569G>C, p.Arg190Pro (NM_001406836.1); c.299G>C, p.Arg100Pro (NM_001406837.1); c.188G>C, p.Arg63Pro (NM_181798.2); short protein forms R190P, R63P, R100P.
Identifiers: ClinVar variation 237228 (VCV000237228.10), dbSNP rs120074178, ClinGen allele CA10582882.